The following is an entry in ClinVar:

ClinVar aggregate classification (germline): Likely benign (0 of 4 stars; one submission).

Conditions:
GP1BB-related disorder. Also called: GP1BB-related condition.

Allele frequency attached by ClinVar (database versions not stated): TOPMed below 0.00001.

Submission:

PreventionGenetics, part of Exact Sciences
Classification: Likely benign for GP1BB-related condition. Last evaluated: 2020-07-14. Review status: no assertion criteria provided. Collection method: clinical testing. Allele origin: germline.
Comment: This variant is classified as likely benign based on ACMG/AMP sequence variant interpretation guidelines (Richards et al. 2015 PMID: 25741868, with internal and published modifications).

NM_000407.5(GP1BB):c.249C>G (p.Thr83=)

Genes: GP1BB (glycoprotein Ib platelet subunit beta; plus strand), SEPT5-GP1BB (SEPT5-GP1BB readthrough; plus strand). Cytogenetic location: 22q11.21.
Variant type: single nucleotide variant.
Coding change: c.249C>G on transcript NM_000407.5 (MANE Select); coding-DNA position 249, C replaced by G.
Protein change: p.Thr83=; no amino-acid change (threonine 83 retained).
Molecular consequence: synonymous variant. On other transcripts: non-coding transcript variant (2).
Genome position (GRCh38, 1-based): chr22:19,724,092, C>G. VCF-style: chr22-19724092-C-G. GRCh37 (hg19) VCF-style: chr22-19711615-C-G.
Identifiers: ClinVar variation 3036458 (VCV003036458.2), dbSNP rs1343054397, ClinGen allele CA513686858.